The following is an entry in ClinVar:

ClinVar aggregate classification (germline): Pathogenic (1 of 4 stars; one submission).

Submission:

Labcorp Genetics (formerly Invitae), Labcorp
Classification: Pathogenic. Last evaluated: 2022-10-28. Review status: criteria provided, single submitter. Criteria: Invitae Variant Classification Sherloc (09022015). Collection method: clinical testing. Allele origin: germline.
Comment: This variant is a gross deletion of the genomic region encompassing exon(s) 23-29 of the NPHS1 gene, which includes the termination codon. This deletion extends beyond the assayed region for this gene and therefore may encompass additional genes. While this deletion is not anticipated to lead to nonsense mediated decay, it is expected to alter mRNA translation or result in a truncated protein product. A similar copy number variant has been observed in individual(s) with NPHS1-related conditions (PMID: 28780565; Invitae). In at least one individual the data is consistent with being in trans (on the opposite chromosome) from a pathogenic variant. For these reasons, this variant has been classified as Pathogenic.

Literature cited by the submitters: PubMed 28780565.

NC_000019.9:g.(?_36317274)_(36326673_?)del

Gene: NPHS1 (NPHS1 adhesion molecule, nephrin; minus strand). Cytogenetic location: 19q13.12.
Variant type: Deletion.
Identifiers: ClinVar variation 1071713 (VCV001071713.7).